The following is an entry in ClinVar:

NM_001303256.3(MORC2):c.1196C>G (p.Pro399Arg)

Gene: MORC2 (MORC family CW-type zinc finger 2; minus strand). Cytogenetic location: 22q12.2.
Variant type: single nucleotide variant.
Coding change: c.1196C>G on transcript NM_001303256.3 (MANE Select); coding-DNA position 1196, C replaced by G.
Protein change: p.Pro399Arg; replaces proline 399 with arginine.
Molecular consequence: missense variant.
Genome position (GRCh38, 1-based): chr22:30,938,083, G>C on the plus strand (C>G on the coding strand, the complement: MORC2 is on the minus strand). VCF-style: chr22-30938083-G-C. GRCh37 (hg19) VCF-style: chr22-31334070-G-C.
Other names: c.1196C>G, p.Pro399Arg (NM_001303257.2); c.1010C>G, p.Pro337Arg (NM_014941.3); short protein forms P337R, P399R.
Identifiers: ClinVar variation 3342283 (VCV003342283.1).

ClinVar aggregate classification (germline): Uncertain significance (1 of 4 stars; one submission).

Conditions:
Charcot-Marie-Tooth disease axonal type 2Z. Also called: CHARCOT-MARIE-TOOTH DISEASE, AXONAL, AUTOSOMAL DOMINANT, TYPE 2Z; CHARCOT-MARIE-TOOTH NEUROPATHY, TYPE 2Z. Identifiers: Orphanet 466768, MedGen C5569025, MONDO:0014736, OMIM 616688.

Submission:

MVZ Medizinische Genetik Mainz
Classification: Uncertain significance for Charcot-Marie-Tooth disease axonal type 2Z. Last evaluated: 2024-09-04. Review status: criteria provided, single submitter. Criteria: UK Practice Guidelines For Variant Classification V4 01 2020. Collection method: clinical testing. Allele origin: germline. Inheritance: Autosomal dominant inheritance. Affected: yes. Observed: 1 variant allele.
Comment: ACMG Criteria: PM2_SUP,PP2